The following is an entry in ClinVar:

ClinVar aggregate classification (germline): Uncertain significance (1 of 4 stars; one submission).

Submission:

Dasa
Classification: Uncertain significance. Last evaluated: 2026-01-16. Review status: criteria provided, single submitter. Criteria: DASA Assertion Criteria. Collection method: clinical testing. Allele origin: germline.
Comment: NM_001387220.1(IKZF2):c.1306del (p.Tyr436Thrfs*2) is a frameshift variant in IKZF2 predicted to alter the reading frame and introduce a premature termination codon. This variant is rare in population databases. The currently available literature and clinical evidence are not sufficient to establish a definitive association between this variant and the reported condition. Therefore, this variant is classified as a variant of uncertain significance.

NM_001387220.1(IKZF2):c.1306del (p.Tyr436fs)

Gene: IKZF2 (IKAROS family zinc finger 2; minus strand). Cytogenetic location: 2q34.
Variant type: Deletion.
Coding change: c.1306del on transcript NM_001387220.1 (MANE Select); coding-DNA position 1306, one base deleted (T; older notation c.1306delT).
Protein change: p.Tyr436fs; shifts the reading frame from tyrosine 436.
Molecular consequence: frameshift variant.
Genome position (GRCh38, 1-based): chr2:213,007,635, A deleted on the plus strand (T on the coding strand, the reverse complement: IKZF2 is on the minus strand); the first of 2 consecutive A bases (chr2:213,007,635-213,007,636); deleting either gives the same sequence. VCF-style (leftmost placement, unchanged base first): chr2-213007634-TA-T. GRCh37 (hg19) VCF-style: chr2-213872358-TA-T.
Other names: c.1228del, p.Tyr410fs (NM_001079526.2, NM_001371275.1, NM_001371276.1); c.1306del, p.Tyr436fs (NM_001371274.1, NM_016260.3); c.1081del, p.Tyr361fs (NM_001371277.1); short protein forms Y361fs, Y410fs, Y436fs.
Identifiers: ClinVar variation 4886268 (VCV004886268.2).